The following is an entry in ClinVar:

NM_001369.3(DNAH5):c.5769C>G (p.Tyr1923Ter)

Gene: DNAH5 (dynein axonemal heavy chain 5; minus strand). Cytogenetic location: 5p15.2.
Variant type: single nucleotide variant.
Coding change: c.5769C>G on transcript NM_001369.3 (MANE Select); coding-DNA position 5769, C replaced by G.
Protein change: p.Tyr1923Ter; replaces tyrosine 1923 with a stop codon.
Molecular consequence: nonsense.
Genome position (GRCh38, 1-based): chr5:13,839,469, G>C on the plus strand (C>G on the coding strand, the complement: DNAH5 is on the minus strand). VCF-style: chr5-13839469-G-C. GRCh37 (hg19) VCF-style: chr5-13839578-G-C.
Other names: short protein forms Y1923*.
Identifiers: ClinVar variation 1069728 (VCV001069728.7), dbSNP rs2151857318, ClinGen allele CA359206977.

ClinVar aggregate classification (germline): Pathogenic (1 of 4 stars; one submission).

Conditions:
Primary ciliary dyskinesia. Also called: Ciliary dyskinesia. Identifiers: Orphanet 244, MedGen C0008780, MONDO:0016575, HP:0012265.

Submission:

Labcorp Genetics (formerly Invitae), Labcorp
Classification: Pathogenic for Primary ciliary dyskinesia. Last evaluated: 2021-01-12. Review status: criteria provided, single submitter. Criteria: Invitae Variant Classification Sherloc (09022015). Collection method: clinical testing. Allele origin: germline.
Comment: For these reasons, this variant has been classified as Pathogenic. This variant has not been reported in the literature in individuals with DNAH5-related conditions. This variant is not present in population databases (ExAC no frequency). This sequence change creates a premature translational stop signal (p.Tyr1923*) in the DNAH5 gene. It is expected to result in an absent or disrupted protein product. Loss-of-function variants in DNAH5 are known to be pathogenic (PMID: 11788826, 16627867).

Literature cited by the submitters: PubMed 11788826; PubMed 16627867.